The following is an entry in ClinVar:

ClinVar aggregate classification (germline): Conflicting classifications of pathogenicity. Review status: criteria provided, conflicting classifications (1 of 4 stars). 6 submissions from 6 submitters: Likely pathogenic (1); Uncertain significance (5). Last evaluated 2025-02-19.

Conditions:
SLC2A10-related disorder. Also called: SLC2A10-related condition.
Familial thoracic aortic aneurysm and aortic dissection (TAAD). Also called: Thoracic aortic aneurysms and dissections. Identifiers: Orphanet 91387, MedGen C4707243, MONDO:0019625.
Arterial tortuosity syndrome (ATORS). Identifiers: Orphanet 3342, MedGen C1859726, MONDO:0008818, OMIM 208050.

Allele frequency attached by ClinVar (database versions not stated): gnomAD exomes 0.00009; ExAC 0.00012; gnomAD 0.00019; TOPMed 0.00019; 1000 Genomes Project 0.00020; ESP Exome Variant Server 0.00023; 1000 Genomes Project 30x 0.00031.

Submissions (6):

GeneDx
Classification: Uncertain significance. Last evaluated: 2025-02-19. Review status: criteria provided, single submitter. Criteria: GeneDx Variant Classification Process June 2021. Collection method: clinical testing. Allele origin: germline. Affected: yes.
Comment: Has not been previously published as pathogenic or benign to our knowledge; In silico analysis indicates that this missense variant does not alter protein structure/function

Ambry Genetics
Classification: Uncertain significance for Familial thoracic aortic aneurysm and aortic dissection. Last evaluated: 2024-10-07. Review status: criteria provided, single submitter. Criteria: Ambry Variant Classification Scheme 2023. Collection method: clinical testing. Allele origin: germline.
Comment: The p.V261I variant (also known as c.781G>A), located in coding exon 2 of the SLC2A10 gene, results from a G to A substitution at nucleotide position 781. The valine at codon 261 is replaced by isoleucine, an amino acid with highly similar properties. This amino acid position is well conserved in available vertebrate species. In addition, this alteration is predicted to be tolerated by in silico analysis. Based on the available evidence, the clinical significance of this variant remains unclear.

Blueprint Genetics
Classification: Likely pathogenic for SLC2A10-related disorders. Last evaluated: 2024-09-16. Review status: criteria provided, single submitter. Criteria: ACMG Guidelines, 2015. Collection method: clinical testing. Allele origin: germline. Affected: yes. Observed: 5 variant alleles.

Women's Health and Genetics/Laboratory Corporation of America, LabCorp
Classification: Uncertain significance. Last evaluated: 2023-06-19. Review status: criteria provided, single submitter. Criteria: LabCorp Variant Classification Summary - May 2015. Collection method: clinical testing. Allele origin: germline.
Comment: Variant summary: SLC2A10 c.781G>A (p.Val261Ile) results in a conservative amino acid change located in the Major facilitator superfamily domain (IPR020846) of the encoded protein sequence. Three of five in-silico tools predict a damaging effect of the variant on protein function. The variant allele was found at a frequency of 8.8e-05 in 251104 control chromosomes (gnomAD). This frequency is not significantly higher than estimated for a pathogenic variant in SLC2A10 causing Arterial Tortuosity Syndrome (8.8e-05 vs 0.0016), allowing no conclusion about variant significance. To our knowledge, no occurrence of c.781G>A in individuals affected with Arterial Tortuosity Syndrome and no experimental evidence demonstrating its impact on protein function have been reported. Three ClinVar submitters have assessed this variant since 2014: all submitters classified the variant as uncertain significance. Based on the evidence outlined above, the variant was classified as uncertain significance.

Labcorp Genetics (formerly Invitae), Labcorp
Classification: Uncertain significance for Arterial tortuosity syndrome. Last evaluated: 2022-10-25. Review status: criteria provided, single submitter. Criteria: Invitae Variant Classification Sherloc (09022015). Collection method: clinical testing. Allele origin: germline.
Comment: This sequence change replaces valine, which is neutral and non-polar, with isoleucine, which is neutral and non-polar, at codon 261 of the SLC2A10 protein (p.Val261Ile). This variant is present in population databases (rs372561968, gnomAD 0.03%). This variant has not been reported in the literature in individuals affected with SLC2A10-related conditions. ClinVar contains an entry for this variant (Variation ID: 263879). Advanced modeling of protein sequence and biophysical properties (such as structural, functional, and spatial information, amino acid conservation, physicochemical variation, residue mobility, and thermodynamic stability) performed at Invitae indicates that this missense variant is not expected to disrupt SLC2A10 protein function. In summary, the available evidence is currently insufficient to determine the role of this variant in disease. Therefore, it has been classified as a Variant of Uncertain Significance.

Illumina Laboratory Services, Illumina
Classification: Uncertain significance for Arterial tortuosity syndrome. Last evaluated: 2018-01-12. Review status: criteria provided, single submitter. Criteria: ICSL Variant Classification Criteria 13 December 2019. Collection method: clinical testing. Allele origin: germline.

NM_030777.4(SLC2A10):c.781G>A (p.Val261Ile)

Gene: SLC2A10 (solute carrier family 2 member 10; plus strand). Cytogenetic location: 20q13.12.
Variant type: single nucleotide variant.
Coding change: c.781G>A on transcript NM_030777.4 (MANE Select); coding-DNA position 781, G replaced by A.
Protein change: p.Val261Ile; replaces valine 261 with isoleucine.
Molecular consequence: missense variant.
Genome position (GRCh38, 1-based): chr20:46,725,817, G>A. VCF-style: chr20-46725817-G-A. GRCh37 (hg19) VCF-style: chr20-45354456-G-A.
Other names: short protein forms V261I.
Identifiers: ClinVar variation 263879 (VCV000263879.19), dbSNP rs372561968, ClinGen allele CA9892040.